The following is an entry in ClinVar:

NM_000466.3(PEX1):c.3172G>A (p.Ala1058Thr)

Genes: GATAD1 (GATA zinc finger domain containing 1; plus strand), PEX1 (peroxisomal biogenesis factor 1; minus strand). Cytogenetic location: 7q21.2.
Variant type: single nucleotide variant.
Coding change: c.3172G>A on transcript NM_000466.3 (MANE Select); coding-DNA position 3172, G replaced by A.
Protein change: p.Ala1058Thr; replaces alanine 1058 with threonine.
Molecular consequence: missense variant.
Genome position (GRCh38, 1-based): chr7:92,492,988, C>T on the plus strand (G>A on the coding strand, the complement: PEX1 is on the minus strand). VCF-style: chr7-92492988-C-T. GRCh37 (hg19) VCF-style: chr7-92122302-C-T.
Other names: c.3001G>A, p.Ala1001Thr (NM_001282677.2); c.2548G>A, p.Ala850Thr (NM_001282678.2); short protein forms A1001T, A1058T, A850T.
Identifiers: ClinVar variation 965273 (VCV000965273.6), dbSNP rs1791428584, ClinGen allele CA368166143.

ClinVar aggregate classification (germline): Uncertain significance. Review status: criteria provided, multiple submitters, no conflicts (2 of 4 stars). 2 submissions from 2 submitters: Uncertain significance (2). Last evaluated 2022-01-06.

Conditions:
Zellweger spectrum disorders (ZS). Also called: Zellweger Spectrum Disorder; Zellweger Spectrum; Zellweger syndrome; Zellweger Spectrum Disorder (ZSD). Identifiers: Orphanet 912, MedGen C0043459, MONDO:0019609.
Inborn genetic diseases. Identifiers: MedGen C0950123, MeSH D030342.

Allele frequency attached by ClinVar (database versions not stated): gnomAD exomes below 0.00001.
gnomAD v4.1: 2 of 1,613,810 alleles (0.00012%); highest among the groups gnomAD compares: Non-Finnish European, 0.00017%; no homozygotes.

Submissions (2):

Labcorp Genetics (formerly Invitae), Labcorp
Classification: Uncertain significance for Zellweger spectrum disorders. Last evaluated: 2022-01-06. Review status: criteria provided, single submitter. Criteria: Invitae Variant Classification Sherloc (09022015). Collection method: clinical testing. Allele origin: germline.
Comment: This sequence change replaces alanine, which is neutral and non-polar, with threonine, which is neutral and polar, at codon 1058 of the PEX1 protein (p.Ala1058Thr). This variant is not present in population databases (gnomAD no frequency). This variant has not been reported in the literature in individuals affected with PEX1-related conditions. ClinVar contains an entry for this variant (Variation ID: 965273). Algorithms developed to predict the effect of missense changes on protein structure and function are either unavailable or do not agree on the potential impact of this missense change (SIFT: "Tolerated"; PolyPhen-2: "Possibly Damaging"; Align-GVGD: "Class C0"). In summary, the available evidence is currently insufficient to determine the role of this variant in disease. Therefore, it has been classified as a Variant of Uncertain Significance.

Ambry Genetics
Classification: Uncertain significance for Inborn genetic diseases. Last evaluated: 2021-09-16. Review status: criteria provided, single submitter. Criteria: Ambry Variant Classification Scheme 2023. Collection method: clinical testing. Allele origin: germline.